The following is an entry in ClinVar:

ClinVar aggregate classification (germline): Uncertain significance (1 of 4 stars; one submission).

Allele frequency attached by ClinVar (database versions not stated): TOPMed below 0.00001; gnomAD 0.00003; 1000 Genomes Project 30x 0.00016; gnomAD exomes 0.00001; 1000 Genomes Project 0.00020.
gnomAD v4.1: 24 of 1,613,728 alleles (0.0015%); highest among the groups gnomAD compares: East Asian, 0.011%; no homozygotes.

Submission:

Labcorp Genetics (formerly Invitae), Labcorp
Classification: Uncertain significance. Last evaluated: 2022-02-23. Review status: criteria provided, single submitter. Criteria: Invitae Variant Classification Sherloc (09022015). Collection method: clinical testing. Allele origin: germline.
Comment: In summary, the available evidence is currently insufficient to determine the role of this variant in disease. Therefore, it has been classified as a Variant of Uncertain Significance. Algorithms developed to predict the effect of missense changes on protein structure and function output the following: SIFT: "Tolerated"; PolyPhen-2: "Benign"; Align-GVGD: "Class C0". The isoleucine amino acid residue is found in multiple mammalian species, which suggests that this missense change does not adversely affect protein function. This variant has not been reported in the literature in individuals affected with KIAA0556-related conditions. This variant is present in population databases (rs201599601, gnomAD 0.02%). This sequence change replaces valine, which is neutral and non-polar, with isoleucine, which is neutral and non-polar, at codon 1455 of the KIAA0556 protein (p.Val1455Ile).

NM_015202.5(KATNIP):c.4363G>A (p.Val1455Ile)

Gene: KATNIP (katanin interacting protein; plus strand). Cytogenetic location: 16p12.1.
Variant type: single nucleotide variant.
Coding change: c.4363G>A on transcript NM_015202.5 (MANE Select); coding-DNA position 4363, G replaced by A.
Protein change: p.Val1455Ile; replaces valine 1455 with isoleucine.
Molecular consequence: missense variant.
Genome position (GRCh38, 1-based): chr16:27,774,998, G>A. VCF-style: chr16-27774998-G-A. GRCh37 (hg19) VCF-style: chr16-27786319-G-A.
Other names: short protein forms V1455I.
Identifiers: ClinVar variation 2043726 (VCV002043726.4), dbSNP rs201599601, ClinGen allele CA7978606.